The following is an entry in ClinVar:

NM_001378452.1(ITPR1):c.3893A>G (p.Asn1298Ser)

Gene: ITPR1 (inositol 1,4,5-trisphosphate receptor type 1; plus strand). Cytogenetic location: 3p26.1.
Variant type: single nucleotide variant.
Coding change: c.3893A>G on transcript NM_001378452.1 (MANE Select); coding-DNA position 3893, A replaced by G.
Protein change: p.Asn1298Ser; replaces asparagine 1298 with serine.
Molecular consequence: missense variant.
Genome position (GRCh38, 1-based): chr3:4,691,208, A>G. VCF-style: chr3-4691208-A-G. GRCh37 (hg19) VCF-style: chr3-4732892-A-G.
Other names: c.3866A>G, p.Asn1289Ser (NM_001099952.4); c.3848A>G, p.Asn1283Ser (NM_001168272.2); c.3821A>G, p.Asn1274Ser (NM_002222.7); short protein forms N1274S, N1283S, N1289S, N1298S.
Identifiers: ClinVar variation 1306376 (VCV001306376.9), dbSNP rs757563485, ClinGen allele CA2231837.

ClinVar aggregate classification (germline): Uncertain significance. Review status: criteria provided, multiple submitters, no conflicts (2 of 4 stars). 3 submissions from 3 submitters: Uncertain significance (3). Last evaluated 2023-08-10.

Conditions:
Inborn genetic diseases. Identifiers: MedGen C0950123, MeSH D030342.

Allele frequency attached by ClinVar (database versions not stated): ExAC 0.00001; gnomAD exomes 0.00003; gnomAD 0.00005.
gnomAD v4.1: 43 of 1,613,280 alleles (0.0027%); highest among the groups gnomAD compares: East Asian, 0.0089%; no homozygotes.

Submissions (3):

Labcorp Genetics (formerly Invitae), Labcorp
Classification: Uncertain significance. Last evaluated: 2023-08-10. Review status: criteria provided, single submitter. Criteria: Invitae Variant Classification Sherloc (09022015). Collection method: clinical testing. Allele origin: germline.
Comment: ClinVar contains an entry for this variant (Variation ID: 1306376). In summary, the available evidence is currently insufficient to determine the role of this variant in disease. Therefore, it has been classified as a Variant of Uncertain Significance. Advanced modeling of protein sequence and biophysical properties (such as structural, functional, and spatial information, amino acid conservation, physicochemical variation, residue mobility, and thermodynamic stability) performed at Invitae indicates that this missense variant is not expected to disrupt ITPR1 protein function. This variant has not been reported in the literature in individuals affected with ITPR1-related conditions. This variant is present in population databases (rs757563485, gnomAD 0.02%). This sequence change replaces asparagine, which is neutral and polar, with serine, which is neutral and polar, at codon 1274 of the ITPR1 protein (p.Asn1274Ser).

Ambry Genetics
Classification: Uncertain significance for Inborn genetic diseases. Last evaluated: 2023-05-18. Review status: criteria provided, single submitter. Criteria: Ambry Variant Classification Scheme 2023. Collection method: clinical testing. Allele origin: germline.

GeneDx
Classification: Uncertain significance. Last evaluated: 2019-06-11. Review status: criteria provided, single submitter. Criteria: GeneDx Variant Classification Process June 2021. Collection method: clinical testing. Allele origin: germline. Affected: yes.
Comment: In silico analysis, which includes protein predictors and evolutionary conservation, supports that this variant does not alter protein structure/function; Has not been previously published as pathogenic or benign to our knowledge